The following is an entry in ClinVar:

ClinVar aggregate classification (germline): Likely benign (1 of 4 stars; one submission).

Submission:

CeGaT Center for Human Genetics Tuebingen
Classification: Likely benign. Last evaluated: 2026-06-01. Review status: criteria provided, single submitter. Criteria: CeGaT Center For Human Genetics Tuebingen Variant Classification Criteria Version 2. Collection method: clinical testing. Allele origin: germline. Affected: yes. Observed: 1 variant allele.
Comment: PRAM1: PM4, BS2

NM_032152.5(PRAM1):c.217_218insAGCCTCAGTTCACTGACCTCCCCAAGAAGCCCCCGC (p.Pro72_Pro73insGlnProGlnPheThrAspLeuProLysLysProPro)

Gene: PRAM1 (PML-RARA regulated adaptor molecule 1; minus strand). Cytogenetic location: 19p13.2.
Variant type: Insertion.
Coding change: c.217_218insAGCCTCAGTTCACTGACCTCCCCAAGAAGCCCCCGC on transcript NM_032152.5 (MANE Select); coding-DNA positions 217 to 218, AGCCTCAGTTCACTGACCTCCCCAAGAAGCCCCCGC inserted.
Protein change: p.Pro72_Pro73insGlnProGlnPheThrAspLeuProLysLysProPro.
Molecular consequence: inframe insertion.
Genome position: GRCh38: chr19:8,499,601-8,499,602. GRCh37 (hg19): chr19:8,564,485-8,564,486.
Identifiers: ClinVar variation 4873009 (VCV004873009.2).
Genomic context (GRCh38, chr19:8,499,590, plus strand): 5'-TTGGGGAGGTCAGTGACCTCAGGCGGCGGGGGCTTCTTGGGGAGGTCAGTGACCTCAGGC[G>GGCGGGGGCTTCTTGGGGAGGTCAGTGAACTGAGGCT]GCGGGGGCTTCAAGGACACTGCACCAAACTCAGGCAGCGGGGCCTTCTTGGGGTGCTCGC-3'